The following is an entry in ClinVar:

ClinVar aggregate classification (germline): Benign (0 of 4 stars; one submission).

Conditions:
ATP2A3-related disorder. Also called: ATP2A3-related condition.

Allele frequency attached by ClinVar (database versions not stated): 1000 Genomes Project 30x 0.16802; 1000 Genomes Project 0.16953; gnomAD exomes 0.17902; ExAC 0.18360; gnomAD 0.18409; TOPMed 0.19064; ESP Exome Variant Server 0.20421.
gnomAD v4.1: 290,072 of 1,613,926 alleles (18%); highest among the groups gnomAD compares: Middle Eastern, 23%; 26,908 homozygotes.

Submission:

PreventionGenetics, part of Exact Sciences
Classification: Benign for ATP2A3-related condition. Last evaluated: 2019-10-28. Review status: no assertion criteria provided. Collection method: clinical testing. Allele origin: germline.
Comment: This variant is classified as benign based on ACMG/AMP sequence variant interpretation guidelines (Richards et al. 2015 PMID: 25741868, with internal and published modifications).

NM_005173.4(ATP2A3):c.2400C>T (p.Asp800=)

Gene: ATP2A3 (ATPase sarcoplasmic/endoplasmic reticulum Ca2+ transporting 3; minus strand). Cytogenetic location: 17p13.2.
Variant type: single nucleotide variant.
Coding change: c.2400C>T on transcript NM_005173.4 (MANE Select); coding-DNA position 2400, C replaced by T.
Protein change: p.Asp800=; no amino-acid change (aspartic acid 800 retained).
Molecular consequence: synonymous variant.
Genome position (GRCh38, 1-based): chr17:3,936,391, G>A on the plus strand (C>T on the coding strand, the complement: ATP2A3 is on the minus strand). VCF-style: chr17-3936391-G-A. GRCh37 (hg19) VCF-style: chr17-3839685-G-A.
Other names: c.2400C>T, p.Asp800= (NM_174953.3, NM_174954.3, NM_174955.3 and 3 more transcripts).
Identifiers: ClinVar variation 3060281 (VCV003060281.2), dbSNP rs1062683, ClinGen allele CA8296877.